The following is an entry in ClinVar:

NM_001999.4(FBN2):c.3305G>A (p.Ser1102Asn)

Gene: FBN2 (fibrillin 2; minus strand). Cytogenetic location: 5q23.3.
Variant type: single nucleotide variant.
Coding change: c.3305G>A on transcript NM_001999.4 (MANE Select); coding-DNA position 3305, G replaced by A.
Protein change: p.Ser1102Asn; replaces serine 1102 with asparagine.
Molecular consequence: missense variant.
Genome position (GRCh38, 1-based): chr5:128,344,423, C>T on the plus strand (G>A on the coding strand, the complement: FBN2 is on the minus strand). VCF-style: chr5-128344423-C-T. GRCh37 (hg19) VCF-style: chr5-127680115-C-T.
Other names: c.3305G>A (NM_001999.3); short protein forms S1102N.
Identifiers: ClinVar variation 4703405 (VCV004703405.2).

ClinVar aggregate classification (germline): Uncertain significance. Review status: criteria provided, multiple submitters, no conflicts (2 of 4 stars). 2 submissions from 2 submitters: Uncertain significance (2). Last evaluated 2025-12-30.

Conditions:
Congenital contractural arachnodactyly (CCA). Also called: BEALS SYNDROME; Beals-Hecht syndrome; Arthrogryposis, distal, type 9. Identifiers: Orphanet 115, MedGen C0220668, MONDO:0007363, OMIM 121050.
Familial thoracic aortic aneurysm and aortic dissection (TAAD). Also called: Thoracic aortic aneurysms and dissections. Identifiers: Orphanet 91387, MedGen C4707243, MONDO:0019625.

gnomAD v4.1: 3 of 1,613,862 alleles (0.00019%); highest among the groups gnomAD compares: African/African-American, 0.0013%; no homozygotes.

Submissions (2):

Ambry Genetics
Classification: Uncertain significance for Familial thoracic aortic aneurysm and aortic dissection. Last evaluated: 2025-12-30. Review status: criteria provided, single submitter. Criteria: Ambry Variant Classification Scheme 2023. Collection method: clinical testing. Allele origin: germline.

Labcorp Genetics (formerly Invitae), Labcorp
Classification: Uncertain significance for Congenital contractural arachnodactyly. Last evaluated: 2025-12-23. Review status: criteria provided, single submitter. Criteria: Invitae Variant Classification Sherloc (09022015). Collection method: clinical testing. Allele origin: germline.
Comment: This sequence change replaces serine, which is neutral and polar, with asparagine, which is neutral and polar, at codon 1102 of the FBN2 protein (p.Ser1102Asn). This variant is present in population databases (no rsID available, gnomAD 0.0009%). This variant has not been reported in the literature in individuals affected with FBN2-related conditions. Invitae Evidence Modeling of protein sequence and biophysical properties (such as structural, functional, and spatial information, amino acid conservation, physicochemical variation, residue mobility, and thermodynamic stability) indicates that this missense variant is not expected to disrupt FBN2 protein function with a negative predictive value of 80%. In summary, the available evidence is currently insufficient to determine the role of this variant in disease. Therefore, it has been classified as a Variant of Uncertain Significance.